The following is an entry in ClinVar:

ClinVar aggregate classification (germline): Uncertain significance. Review status: criteria provided, multiple submitters, no conflicts (2 of 4 stars). 2 submissions from 2 submitters: Uncertain significance (2). Last evaluated 2024-07-07.

Conditions:
Inborn genetic diseases. Identifiers: MedGen C0950123, MeSH D030342.

Allele frequency attached by ClinVar (database versions not stated): TOPMed below 0.00001; gnomAD 0.00001.
gnomAD v4.1: 4 of 1,293,384 alleles (0.00031%); highest among the groups gnomAD compares: Non-Finnish European, 0.00039%; no homozygotes.

Submissions (2):

Ambry Genetics
Classification: Uncertain significance for Inborn genetic diseases. Last evaluated: 2024-07-07. Review status: criteria provided, single submitter. Criteria: Ambry Variant Classification Scheme 2023. Collection method: clinical testing. Allele origin: germline.

GeneDx
Classification: Uncertain significance. Last evaluated: 2021-06-02. Review status: criteria provided, single submitter. Criteria: GeneDx Variant Classification Process June 2021. Collection method: clinical testing. Allele origin: germline. Affected: yes.
Comment: This variant is associated with the following publications: (PMID: 27535533)

NM_014317.5(PDSS1):c.42G>C (p.Trp14Cys)

Gene: PDSS1 (decaprenyl diphosphate synthase subunit 1; plus strand). Cytogenetic location: 10p12.1.
Variant type: single nucleotide variant.
Coding change: c.42G>C on transcript NM_014317.5 (MANE Select); coding-DNA position 42, G replaced by C.
Protein change: p.Trp14Cys; replaces tryptophan 14 with cysteine.
Molecular consequence: missense variant. On other transcripts: 5 prime UTR variant (1).
Genome position (GRCh38, 1-based): chr10:26,697,753, G>C. VCF-style: chr10-26697753-G-C. GRCh37 (hg19) VCF-style: chr10-26986682-G-C.
Other names: c.42G>C, p.Trp14Cys (NM_001321978.2); c.-552G>C (NM_001321979.2); short protein forms W14C.
Identifiers: ClinVar variation 1206944 (VCV001206944.4), dbSNP rs1834909905, ClinGen allele CA376488855.